The following is an entry in ClinVar:

ClinVar aggregate classification (germline): Uncertain significance (1 of 4 stars; one submission).

Conditions:
Congenital myasthenic syndrome 2A. Also called: Myasthenic syndrome, congenital, 2a, slow-channel. Identifiers: Orphanet 590, MedGen C4225374, MONDO:0014581, OMIM 616313.

Submission:

Labcorp Genetics (formerly Invitae), Labcorp
Classification: Uncertain significance for Congenital myasthenic syndrome 2A. Last evaluated: 2022-02-22. Review status: criteria provided, single submitter. Criteria: Invitae Variant Classification Sherloc (09022015). Collection method: clinical testing. Allele origin: germline.
Comment: This sequence change falls in intron 4 of the CHRNB1 gene. It does not directly change the encoded amino acid sequence of the CHRNB1 protein. It affects a nucleotide within the consensus splice site. This variant is present in population databases (rs748309137, gnomAD 0.003%). This variant has not been reported in the literature in individuals affected with CHRNB1-related conditions. Variants that disrupt the consensus splice site are a relatively common cause of aberrant splicing (PMID: 17576681, 9536098). Algorithms developed to predict the effect of sequence changes on RNA splicing suggest that this variant may disrupt the consensus splice site. In summary, the available evidence is currently insufficient to determine the role of this variant in disease. Therefore, it has been classified as a Variant of Uncertain Significance.

Literature cited by the submitters: PubMed 17576681; PubMed 9536098.

NM_000747.3(CHRNB1):c.353+5_353+7del

Gene: CHRNB1 (cholinergic receptor nicotinic beta 1 subunit; plus strand). Cytogenetic location: 17p13.1.
Variant type: Deletion.
Coding change: c.353+5_353+7del on transcript NM_000747.3 (MANE Select); bases 5 to 7 of the intron after coding-DNA position 353, 3 bases deleted (GAG; older notation c.353+5_353+7delGAG).
Molecular consequence: intron variant.
Genome position (GRCh38, 1-based): chr17:7,446,947-7,446,949, GAG deleted; deleting any 3 consecutive bases within chr17:7,446,945-7,446,949 gives the same sequence; the c. name uses the placement nearest the transcript's 3' end. VCF-style (leftmost placement, unchanged base first): chr17-7446944-TAGG-T. GRCh37 (hg19) VCF-style: chr17-7350263-TAGG-T.
Identifiers: ClinVar variation 2192292 (VCV002192292.4), dbSNP rs748309137, ClinGen allele CA8347724.